The following is an entry in ClinVar:

ClinVar aggregate classification (germline): Conflicting classifications of pathogenicity. Review status: criteria provided, conflicting classifications (1 of 4 stars). 2 submissions from 2 submitters: Uncertain significance (1); Likely benign (1). Last evaluated 2026-09-11.

Conditions:
Hereditary cancer-predisposing syndrome. Also called: Tumor predisposition; Hereditary Cancer Syndrome; Hereditary neoplastic syndrome; Neoplastic Syndromes, Hereditary. Identifiers: Orphanet 140162, MedGen C0027672, MeSH D009386, MONDO:0015356.
Peutz-Jeghers syndrome (PJS). Also called: POLYPOSIS, HAMARTOMATOUS INTESTINAL; POLYPS-AND-SPOTS SYNDROME; Peutz-Jeghers polyposis; Periorificial lentiginosis syndrome. Identifiers: Orphanet 2869, MedGen C0031269, MeSH D010580, MONDO:0008280, OMIM 175200.

Allele frequency attached by ClinVar (database versions not stated): gnomAD exomes below 0.00001.
gnomAD v4.1: 2 of 1,604,378 alleles (0.00012%); highest among the groups gnomAD compares: Non-Finnish European, 0.00017%; no homozygotes.

Submissions (2):

Ambry Genetics
Classification: Likely benign for Hereditary cancer-predisposing syndrome. Last evaluated: 2026-09-11. Review status: criteria provided, single submitter. Criteria: Ambry Variant Classification Scheme 2023. Collection method: clinical testing. Allele origin: germline.

Labcorp Genetics (formerly Invitae), Labcorp
Classification: Uncertain significance for Peutz-Jeghers syndrome. Last evaluated: 2020-01-29. Review status: criteria provided, single submitter. Criteria: Invitae Variant Classification Sherloc (09022015). Collection method: clinical testing. Allele origin: germline.
Comment: This sequence change replaces serine with glycine at codon 401 of the STK11 protein (p.Ser401Gly). The serine residue is moderately conserved and there is a small physicochemical difference between serine and glycine. In summary, the available evidence is currently insufficient to determine the role of this variant in disease. Therefore, it has been classified as a Variant of Uncertain Significance. Algorithms developed to predict the effect of missense changes on protein structure and function output the following: SIFT: "Tolerated"; PolyPhen-2: "Benign"; Align-GVGD: "Class C0". The glycine amino acid residue is found in multiple mammalian species, suggesting that this missense change does not adversely affect protein function. These predictions have not been confirmed by published functional studies and their clinical significance is uncertain. This variant has not been reported in the literature in individuals with STK11-related conditions. This variant is not present in population databases (ExAC no frequency).

NM_000455.5(STK11):c.1201A>G (p.Ser401Gly)

Gene: STK11 (serine/threonine kinase 11; plus strand). Cytogenetic location: 19p13.3.
Variant type: single nucleotide variant.
Coding change: c.1201A>G on transcript NM_000455.5 (MANE Select); coding-DNA position 1201, A replaced by G.
Protein change: p.Ser401Gly; replaces serine 401 with glycine.
Molecular consequence: missense variant.
Genome position (GRCh38, 1-based): chr19:1,226,546, A>G. VCF-style: chr19-1226546-A-G. GRCh37 (hg19) VCF-style: chr19-1226545-A-G.
Other names: short protein forms S401G.
Identifiers: ClinVar variation 1026241 (VCV001026241.13), dbSNP rs2080822902, ClinGen allele CA402953680.